The following is an entry in ClinVar:

NM_001130438.3(SPTAN1):c.1129G>A (p.Val377Met)

Gene: SPTAN1 (spectrin alpha, non-erythrocytic 1; plus strand). Cytogenetic location: 9q34.11.
Variant type: single nucleotide variant.
Coding change: c.1129G>A on transcript NM_001130438.3 (MANE Select); coding-DNA position 1129, G replaced by A.
Protein change: p.Val377Met; replaces valine 377 with methionine.
Molecular consequence: missense variant.
Genome position (GRCh38, 1-based): chr9:128,578,153, G>A. VCF-style: chr9-128578153-G-A. GRCh37 (hg19) VCF-style: chr9-131340432-G-A.
Other names: c.1129G>A, p.Val377Met (NM_001195532.2, NM_001363759.2, NM_001363765.2 and 5 more transcripts); c.1165G>A, p.Val389Met (NM_001375312.2, NM_001375318.1); short protein forms V377M, V389M.
Identifiers: ClinVar variation 3678118 (VCV003678118.2).

ClinVar aggregate classification (germline): Uncertain significance (1 of 4 stars; one submission).

Conditions:
Early-infantile DEE. Also called: Ohtahara syndrome; Early infantile epileptic encephalopathy with suppression bursts; Early infantile epileptic encephalopathy. Identifiers: Orphanet 1934, MedGen C0393706, MONDO:0800491.

gnomAD v4.1: 20 of 1,614,162 alleles (0.0012%); highest among the groups gnomAD compares: Non-Finnish European, 0.0016%; no homozygotes.

Submission:

Labcorp Genetics (formerly Invitae), Labcorp
Classification: Uncertain significance for Early-infantile DEE. Last evaluated: 2025-01-17. Review status: criteria provided, single submitter. Criteria: Invitae Variant Classification Sherloc (09022015). Collection method: clinical testing. Allele origin: germline.
Comment: This sequence change replaces valine, which is neutral and non-polar, with methionine, which is neutral and non-polar, at codon 377 of the SPTAN1 protein (p.Val377Met). This variant is not present in population databases (gnomAD no frequency). This variant has not been reported in the literature in individuals affected with SPTAN1-related conditions. Invitae Evidence Modeling of protein sequence and biophysical properties (such as structural, functional, and spatial information, amino acid conservation, physicochemical variation, residue mobility, and thermodynamic stability) has been performed for this missense variant. However, the output from this modeling did not meet the statistical confidence thresholds required to predict the impact of this variant on SPTAN1 protein function. In summary, the available evidence is currently insufficient to determine the role of this variant in disease. Therefore, it has been classified as a Variant of Uncertain Significance.